The following is an entry in ClinVar:

ClinVar aggregate classification (germline): Uncertain significance. Review status: criteria provided, multiple submitters, no conflicts (2 of 4 stars). 2 submissions from 2 submitters: Uncertain significance (2). Last evaluated 2024-04-19.

Conditions:
Cardiovascular phenotype. Identifiers: MedGen CN230736.
X-linked myopathy with postural muscle atrophy. Also called: FHL1-Related Emery-Dreifuss Muscular Dystrophy, X-Linked. Identifiers: Orphanet 178461, MedGen C2678055, MONDO:0010401, OMIM 300696.

Allele frequency attached by ClinVar (database versions not stated): gnomAD exomes below 0.00001.
gnomAD v4.1: 1 of 1,212,480 alleles (0.000082%); highest among the groups gnomAD compares: African/African-American, 0.0017%; no homozygotes.

Submissions (2):

Ambry Genetics
Classification: Uncertain significance for Cardiovascular phenotype. Last evaluated: 2024-04-19. Review status: criteria provided, single submitter. Criteria: Ambry Variant Classification Scheme 2023. Collection method: clinical testing. Allele origin: germline.
Comment: The p.H161R variant (also known as c.482A>G), located in coding exon 3 of the FHL1 gene, results from an A to G substitution at nucleotide position 482. The histidine at codon 161 is replaced by arginine, an amino acid with highly similar properties. This amino acid position is conserved. In addition, this alteration is predicted to be tolerated by in silico analysis. Based on the available evidence, the clinical significance of this variant remains unclear.

Labcorp Genetics (formerly Invitae), Labcorp
Classification: Uncertain significance for X-linked myopathy with postural muscle atrophy. Last evaluated: 2022-02-20. Review status: criteria provided, single submitter. Criteria: Invitae Variant Classification Sherloc (09022015). Collection method: clinical testing. Allele origin: germline.
Comment: This sequence change replaces histidine, which is basic and polar, with arginine, which is basic and polar, at codon 161 of the FHL1 protein (p.His161Arg). In summary, the available evidence is currently insufficient to determine the role of this variant in disease. Therefore, it has been classified as a Variant of Uncertain Significance. Algorithms developed to predict the effect of missense changes on protein structure and function are either unavailable or do not agree on the potential impact of this missense change (SIFT: "Deleterious"; PolyPhen-2: "Benign"; Align-GVGD: "Class C0"). This variant has not been reported in the literature in individuals affected with FHL1-related conditions. This variant is present in population databases (no rsID available, gnomAD 0.008%).

NM_001159699.2(FHL1):c.530A>G (p.His177Arg)

Gene: FHL1 (four and a half LIM domains 1; plus strand). Cytogenetic location: Xq26.3.
Variant type: single nucleotide variant.
Coding change: c.530A>G on transcript NM_001159699.2 (MANE Select); coding-DNA position 530, A replaced by G.
Protein change: p.His177Arg; replaces histidine 177 with arginine.
Molecular consequence: missense variant. On other transcripts: non-coding transcript variant (1).
Genome position (GRCh38, 1-based): chrX:136,207,942, A>G. VCF-style: chrX-136207942-A-G. GRCh37 (hg19) VCF-style: chrX-135290101-A-G.
Other names: c.482A>G (NM_001449.4); c.482A>G, p.His161Arg (NM_001159700.2, NM_001159702.3, NM_001159703.2 and 9 more transcripts); c.569A>G, p.His190Arg (NM_001159701.2); c.530A>G, p.His177Arg (NM_001330659.2); short protein forms H161R, H177R, H190R.
Identifiers: ClinVar variation 2100641 (VCV002100641.5), dbSNP rs1209739637, ClinGen allele CA414608631.
Genomic context (GRCh38, chrX:136,207,942, plus strand): 5'-TCTTCCCTAAAGGGGAGGACTTCTACTGCGTGACTTGCCATGAGACCAAGTTTGCCAAGC[A>G]TTGCGTGAAGTGCAACAAGGTATGCTTTCAAGGGAGTTCTGCATTGACCGTTGTTTCTAG-3'
Protein context (NP_001153171.1, residues 167-187): VTCHETKFAK[His177Arg]CVKCNKAITS